The following is an entry in ClinVar:

NM_001042492.3(NF1):c.4669del (p.Thr1557fs)

Gene: NF1 (neurofibromin 1; plus strand). Cytogenetic location: 17q11.2.
Variant type: Deletion.
Coding change: c.4669del on transcript NM_001042492.3 (MANE Select); coding-DNA position 4669, one base deleted (A; older notation c.4669delA).
Protein change: p.Thr1557fs; shifts the reading frame from threonine 1557.
Molecular consequence: frameshift variant.
Genome position (GRCh38, 1-based): chr17:31,261,802, A deleted. VCF-style (leftmost placement, unchanged base first): chr17-31261801-TA-T. GRCh37 (hg19) VCF-style: chr17-29588819-TA-T.
Other names: c.4606delA, p.Thr1536Hisfs (NM_000267.4); short protein forms T1536fs, T1557fs.
Identifiers: ClinVar variation 811165 (VCV000811165.8), dbSNP rs1597748891, ClinGen allele CA915949667.

ClinVar aggregate classification (germline): Pathogenic (1 of 4 stars; one submission).

Submission:

ARUP Laboratories, Molecular Genetics and Genomics, ARUP Laboratories
Classification: Pathogenic. Last evaluated: 2018-10-04. Review status: criteria provided, single submitter. Criteria: ARUP Molecular Germline Variant Investigation Process. Collection method: clinical testing. Allele origin: germline.
Comment: The NF1 c.4669delA; p.Thr1557fs variant, to our knowledge, is not reported in the medical literature or gene-specific databases. This variant is also absent from general population databases (1000 Genomes Project, Exome Variant Server, and Genome Aggregation Database), indicating it is not a common polymorphism. This variant causes a frameshift by deleting a single nucleotide, so it is predicted to result in a truncated protein or mRNA subject to nonsense-mediated decay. Additionally, other frameshift variants in this region have been described in individuals with a clinical diagnosis of NF1 (Fahsold 2000). Based on available information, this variant is classified as pathogenic. References: Fahsold R et al. Minor lesion mutational spectrum of the entire NF1 gene does not explain its high mutability but points to a functional domain upstream of the GAP-related domain. Am J Hum Genet. 2000 Mar;66(3):790-818.